The following is an entry in ClinVar:

NM_198578.4(LRRK2):c.5855A>G (p.Lys1952Arg)

Gene: LRRK2 (leucine rich repeat kinase 2; plus strand). Cytogenetic location: 12q12.
Variant type: single nucleotide variant.
Coding change: c.5855A>G on transcript NM_198578.4 (MANE Select); coding-DNA position 5855, A replaced by G.
Protein change: p.Lys1952Arg; replaces lysine 1952 with arginine.
Molecular consequence: missense variant.
Genome position (GRCh38, 1-based): chr12:40,335,064, A>G. VCF-style: chr12-40335064-A-G. GRCh37 (hg19) VCF-style: chr12-40728866-A-G.
Other names: short protein forms K1952R.
Identifiers: ClinVar variation 1750092 (VCV001750092.3), dbSNP rs1376675649, ClinGen allele CA384402169.

ClinVar aggregate classification (germline): Uncertain significance (1 of 4 stars; one submission).

Conditions:
Inborn genetic diseases. Identifiers: MedGen C0950123, MeSH D030342.

Allele frequency attached by ClinVar (database versions not stated): gnomAD 0.00001; gnomAD exomes 0.00001.
gnomAD v4.1: 6 of 1,614,006 alleles (0.00037%); highest among the groups gnomAD compares: African/African-American, 0.0013%; no homozygotes.

Submission:

Ambry Genetics
Classification: Uncertain significance for Inborn genetic diseases. Last evaluated: 2024-08-06. Review status: criteria provided, single submitter. Criteria: Ambry Variant Classification Scheme 2023. Collection method: clinical testing. Allele origin: germline.
Comment: The p.K1952R variant (also known as c.5855A>G), located in coding exon 40 of the LRRK2 gene, results from an A to G substitution at nucleotide position 5855. The lysine at codon 1952 is replaced by arginine, an amino acid with highly similar properties. This amino acid position is conserved. In addition, this alteration is predicted to be tolerated by in silico analysis. Since supporting evidence is limited at this time, the clinical significance of this alteration remains unclear.